The following is an entry in ClinVar:

NM_001903.5(CTNNA1):c.935T>C (p.Ile312Thr)

Gene: CTNNA1 (catenin alpha 1; plus strand). Cytogenetic location: 5q31.2.
Variant type: single nucleotide variant.
Coding change: c.935T>C on transcript NM_001903.5 (MANE Select); coding-DNA position 935, T replaced by C.
Protein change: p.Ile312Thr; replaces isoleucine 312 with threonine.
Molecular consequence: missense variant.
Genome position (GRCh38, 1-based): chr5:138,827,591, T>C. VCF-style: chr5-138827591-T-C. GRCh37 (hg19) VCF-style: chr5-138163280-T-C.
Other names: c.935T>C, p.Ile312Thr (NM_001290307.3, NM_001323982.2, NM_001323983.1 and 3 more transcripts); c.626T>C, p.Ile209Thr (NM_001290309.3); c.566T>C, p.Ile189Thr (NM_001290310.3); short protein forms I189T, I209T, I312T.
Identifiers: ClinVar variation 3221926 (VCV003221926.1), dbSNP rs2532446877, ClinGen allele CA361130893.

ClinVar aggregate classification (germline): Uncertain significance (1 of 4 stars; one submission).

Conditions:
Hereditary cancer-predisposing syndrome. Also called: Tumor predisposition; Hereditary neoplastic syndrome; Hereditary Cancer Syndrome; Neoplastic Syndromes, Hereditary. Identifiers: Orphanet 140162, MedGen C0027672, MeSH D009386, MONDO:0015356.

Submission:

Ambry Genetics
Classification: Uncertain significance for Hereditary cancer-predisposing syndrome. Last evaluated: 2022-11-20. Review status: criteria provided, single submitter. Criteria: Ambry Variant Classification Scheme 2023. Collection method: clinical testing. Allele origin: germline.
Comment: The p.I312T variant (also known as c.935T>C), located in coding exon 6 of the CTNNA1 gene, results from a T to C substitution at nucleotide position 935. The isoleucine at codon 312 is replaced by threonine, an amino acid with similar properties. This amino acid position is conserved. In addition, this alteration is predicted to be deleterious by in silico analysis. Since supporting evidence is limited at this time, the clinical significance of this alteration remains unclear.